The following is an entry in ClinVar:

ClinVar aggregate classification (germline): Uncertain significance (1 of 4 stars; one submission).

gnomAD v4.1: 6 of 1,599,242 alleles (0.00038%); highest among the groups gnomAD compares: Non-Finnish European, 0.00051%; no homozygotes.

Submission:

Labcorp Genetics (formerly Invitae), Labcorp
Classification: Uncertain significance. Last evaluated: 2024-02-08. Review status: criteria provided, single submitter. Criteria: Invitae Variant Classification Sherloc (09022015). Collection method: clinical testing. Allele origin: germline.
Comment: This sequence change replaces proline, which is neutral and non-polar, with glutamine, which is neutral and polar, at codon 314 of the RELB protein (p.Pro314Gln). The frequency data for this variant in the population databases is considered unreliable, as metrics indicate poor data quality at this position in the gnomAD database. This variant has not been reported in the literature in individuals affected with RELB-related conditions. An algorithm developed to predict the effect of missense changes on protein structure and function (PolyPhen-2) suggests that this variant is likely to be disruptive. In summary, the available evidence is currently insufficient to determine the role of this variant in disease. Therefore, it has been classified as a Variant of Uncertain Significance.

NM_006509.4(RELB):c.941C>A (p.Pro314Gln)

Gene: RELB (RELB proto-oncogene, NF-kB subunit; plus strand). Cytogenetic location: 19q13.32.
Variant type: single nucleotide variant.
Coding change: c.941C>A on transcript NM_006509.4 (MANE Select); coding-DNA position 941, C replaced by A.
Protein change: p.Pro314Gln; replaces proline 314 with glutamine.
Molecular consequence: missense variant.
Genome position (GRCh38, 1-based): chr19:45,028,942, C>A. VCF-style: chr19-45028942-C-A. GRCh37 (hg19) VCF-style: chr19-45532200-C-A.
Other names: c.932C>A, p.Pro311Gln (NM_001411087.1); short protein forms P314Q, P311Q.
Identifiers: ClinVar variation 2974465 (VCV002974465.3), dbSNP rs748518205, ClinGen allele CA9507697.